The following is an entry in ClinVar:

NM_001083614.2(EARS2):c.790C>T (p.Leu264=)

Gene: EARS2 (glutamyl-tRNA synthetase 2, mitochondrial; minus strand). Cytogenetic location: 16p12.2.
Variant type: single nucleotide variant.
Coding change: c.790C>T on transcript NM_001083614.2 (MANE Select); coding-DNA position 790, C replaced by T.
Protein change: p.Leu264=; no amino-acid change (leucine 264 retained).
Molecular consequence: synonymous variant. On other transcripts: non-coding transcript variant (1).
Genome position (GRCh38, 1-based): chr16:23,535,056, G>A on the plus strand (C>T on the coding strand, the complement: EARS2 is on the minus strand). VCF-style: chr16-23535056-G-A. GRCh37 (hg19) VCF-style: chr16-23546377-G-A.
Other names: c.790C>T, p.Leu264= (NM_001308211.1, NM_133451.1).
Identifiers: ClinVar variation 2646323 (VCV002646323.24), dbSNP rs1555503379, ClinGen allele CA494460626.

ClinVar aggregate classification (germline): Uncertain significance (1 of 4 stars; one submission).

gnomAD v4.1: 3 of 1,608,004 alleles (0.00019%); highest among the groups gnomAD compares: Non-Finnish European, 0.00025%; no homozygotes.

Submission:

CeGaT Center for Human Genetics Tuebingen
Classification: Uncertain significance. Last evaluated: 2022-09-01. Review status: criteria provided, single submitter. Criteria: CeGaT Center For Human Genetics Tuebingen Variant Classification Criteria Version 2. Collection method: clinical testing. Allele origin: germline. Affected: yes. Observed: 1 variant allele.
Comment: EARS2: PM2:Supporting, BP4